The following is an entry in ClinVar:

NM_000038.6(APC):c.6236A>C (p.Asp2079Ala)

Gene: APC (APC regulator of Wnt signaling pathway; plus strand). Cytogenetic location: 5q22.2.
Variant type: single nucleotide variant.
Coding change: c.6236A>C on transcript NM_000038.6 (MANE Select); coding-DNA position 6236, A replaced by C.
Protein change: p.Asp2079Ala; replaces aspartic acid 2079 with alanine.
Molecular consequence: missense variant.
Genome position (GRCh38, 1-based): chr5:112,841,830, A>C. VCF-style: chr5-112841830-A-C. GRCh37 (hg19) VCF-style: chr5-112177527-A-C.
Other names: c.6236A>C, p.Asp2079Ala (NM_001127510.3, NM_001354895.2); c.6182A>C, p.Asp2061Ala (NM_001127511.3); c.6290A>C, p.Asp2097Ala (NM_001354896.2); c.6266A>C, p.Asp2089Ala (NM_001354897.2); c.6161A>C, p.Asp2054Ala (NM_001354898.2); c.6152A>C, p.Asp2051Ala (NM_001354899.2); c.6113A>C, p.Asp2038Ala (NM_001354900.2); c.6059A>C, p.Asp2020Ala (NM_001354901.2); and 5 more; short protein forms D2061A, D2079A, D1978A, D2054A, D2089A, D2051A, D2097A, D1796A.
Identifiers: ClinVar variation 489476 (VCV000489476.20), dbSNP rs779413228, ClinGen allele CA044147.

ClinVar aggregate classification (germline): Conflicting classifications of pathogenicity. Review status: criteria provided, conflicting classifications (1 of 4 stars). 5 submissions from 5 submitters: Uncertain significance (4); Likely benign (1). Last evaluated 2025-12-29.

Conditions:
Hereditary cancer-predisposing syndrome. Also called: Hereditary Cancer Syndrome; Neoplastic Syndromes, Hereditary; Tumor predisposition; Hereditary neoplastic syndrome. Identifiers: Orphanet 140162, MedGen C0027672, MeSH D009386, MONDO:0015356.
Familial adenomatous polyposis 1 (FAP1). Also called: POLYPOSIS, ADENOMATOUS INTESTINAL; FAMILIAL ADENOMATOUS POLYPOSIS 1, ATTENUATED. Identifiers: MedGen C2713442, MONDO:0021056, OMIM 175100. Disease mechanism: loss of function.

Allele frequency attached by ClinVar (database versions not stated): gnomAD exomes below 0.00001 and 0.00001; ExAC 0.00001; gnomAD 0.00003; TOPMed 0.00003.
gnomAD v4.1: 8 of 1,613,858 alleles (0.0005%); highest among the groups gnomAD compares: African/African-American, 0.008%; no homozygotes.

Submissions (5):

Labcorp Genetics (formerly Invitae), Labcorp
Classification: Uncertain significance for Familial adenomatous polyposis 1. Last evaluated: 2025-12-29. Review status: criteria provided, single submitter. Criteria: Invitae Variant Classification Sherloc (09022015). Collection method: clinical testing. Allele origin: germline.
Comment: This sequence change replaces aspartic acid, which is acidic and polar, with alanine, which is neutral and non-polar, at codon 2079 of the APC protein (p.Asp2079Ala). This variant is present in population databases (rs779413228, gnomAD 0.01%). This missense change has been observed in individual(s) with clinical features of Lynch syndrome (PMID: 25980754). ClinVar contains an entry for this variant (Variation ID: 489476). Invitae Evidence Modeling of protein sequence and biophysical properties (such as structural, functional, and spatial information, amino acid conservation, physicochemical variation, residue mobility, and thermodynamic stability) indicates that this missense variant is not expected to disrupt APC protein function with a negative predictive value of 95%. In summary, the available evidence is currently insufficient to determine the role of this variant in disease. Therefore, it has been classified as a Variant of Uncertain Significance.

Ambry Genetics
Classification: Likely benign for Hereditary cancer-predisposing syndrome. Last evaluated: 2023-07-18. Review status: criteria provided, single submitter. Criteria: Ambry Variant Classification Scheme 2023. Collection method: clinical testing. Allele origin: germline.

GeneDx
Classification: Uncertain significance. Last evaluated: 2022-06-16. Review status: criteria provided, single submitter. Criteria: GeneDx Variant Classification Process June 2021. Collection method: clinical testing. Allele origin: germline. Affected: yes.
Comment: Not observed at significant frequency in large population cohorts (gnomAD); In silico analysis supports that this missense variant does not alter protein structure/function; Observed in an individual undergoing multi-gene cancer panel testing due to a personal history of a Lynch syndrome-related cancer and/or polyps (Yurgelun 2015); This variant is associated with the following publications: (PMID: 25980754)

Quest Diagnostics Nichols Institute San Juan Capistrano
Classification: Uncertain significance. Last evaluated: 2020-09-16. Review status: criteria provided, single submitter. Criteria: Quest Diagnostics criteria. Collection method: clinical testing. Allele origin: unknown.

Color Diagnostics, LLC DBA Color Health
Classification: Uncertain significance for Hereditary cancer-predisposing syndrome. Last evaluated: 2019-06-18. Review status: criteria provided, single submitter. Criteria: ACMG Guidelines, 2015. Collection method: clinical testing. Allele origin: germline.

Literature cited by the submitters: PubMed 25980754 (cited by 3 submitters).